The following is an entry in ClinVar:

ClinVar aggregate classification (germline): Conflicting classifications of pathogenicity. Review status: criteria provided, conflicting classifications (1 of 4 stars). 4 submissions from 4 submitters: Uncertain significance (3); Benign (1). Last evaluated 2026-01-10.

Conditions:
Hereditary cancer-predisposing syndrome. Also called: Hereditary neoplastic syndrome; Tumor predisposition; Neoplastic Syndromes, Hereditary; Hereditary Cancer Syndrome. Identifiers: Orphanet 140162, MedGen C0027672, MeSH D009386, MONDO:0015356.
Tuberous sclerosis 2 (TSC2). Identifiers: Orphanet 805, MedGen C1860707, MONDO:0013199, OMIM 613254.

Allele frequency attached by ClinVar (database versions not stated): gnomAD exomes below 0.00001.
gnomAD v4.1: 1 of 1,614,146 alleles (0.000062%); no homozygotes.

Submissions (4):

Labcorp Genetics (formerly Invitae), Labcorp
Classification: Benign for Tuberous sclerosis 2. Last evaluated: 2026-01-10. Review status: criteria provided, single submitter. Criteria: Invitae Variant Classification Sherloc (09022015). Collection method: clinical testing. Allele origin: germline.

Ambry Genetics
Classification: Uncertain significance for Hereditary cancer-predisposing syndrome. Last evaluated: 2024-05-04. Review status: criteria provided, single submitter. Criteria: Ambry Variant Classification Scheme 2023. Collection method: clinical testing. Allele origin: germline.
Comment: The p.R350K variant (also known as c.1049G>A), located in coding exon 10 of the TSC2 gene, results from a G to A substitution at nucleotide position 1049. The arginine at codon 350 is replaced by lysine, an amino acid with highly similar properties. This amino acid position is conserved. In addition, this alteration is predicted to be tolerated by in silico analysis. Since supporting evidence is limited at this time, the clinical significance of this alteration remains unclear.

Genome-Nilou Lab
Classification: Uncertain significance for Tuberous sclerosis 2. Last evaluated: 2021-11-07. Review status: criteria provided, single submitter. Criteria: ACMG Guidelines, 2015. Collection method: clinical testing. Allele origin: germline. Affected: no.

GeneDx
Classification: Uncertain significance. Last evaluated: 2019-11-14. Review status: criteria provided, single submitter. Criteria: GeneDx Variant Classification Process June 2021. Collection method: clinical testing. Allele origin: germline. Affected: yes.
Comment: In silico analysis, which includes protein predictors and evolutionary conservation, supports that this variant does not alter protein structure/function; Has not been previously published as pathogenic or benign to our knowledge

NM_000548.5(TSC2):c.1049G>A (p.Arg350Lys)

Gene: TSC2 (TSC complex subunit 2; plus strand). Cytogenetic location: 16p13.3.
Variant type: single nucleotide variant.
Coding change: c.1049G>A on transcript NM_000548.5 (MANE Select); coding-DNA position 1049, G replaced by A.
Protein change: p.Arg350Lys; replaces arginine 350 with lysine.
Molecular consequence: missense variant.
Genome position (GRCh38, 1-based): chr16:2,060,743, G>A. VCF-style: chr16-2060743-G-A. GRCh37 (hg19) VCF-style: chr16-2110744-G-A.
Other names: c.1049G>A, p.Arg350Lys (NM_001077183.3, NM_001114382.3, NM_001363528.2 and 3 more transcripts); c.938G>A, p.Arg313Lys (NM_001318827.2); c.902G>A, p.Arg301Lys (NM_001318829.2); c.449G>A, p.Arg150Lys (NM_001318831.2); c.1082G>A, p.Arg361Lys (NM_001318832.2); short protein forms R150K, R301K, R350K, R361K, R313K.
Identifiers: ClinVar variation 950473 (VCV000950473.16), dbSNP rs1567423240, ClinGen allele CA394317802.